The following is an entry in ClinVar:

NM_003119.4(SPG7):c.376+2T>A

Gene: SPG7 (SPG7 matrix AAA peptidase subunit, paraplegin; plus strand). Cytogenetic location: 16q24.3.
Variant type: single nucleotide variant.
Coding change: c.376+2T>A on transcript NM_003119.4 (MANE Select); the canonical splice donor site of the intron after coding-DNA position 376, T replaced by A.
Molecular consequence: splice donor variant.
Genome position (GRCh38, 1-based): chr16:89,513,039, T>A. VCF-style: chr16-89513039-T-A. GRCh37 (hg19) VCF-style: chr16-89579447-T-A.
Other names: c.376+2T>A (NM_001363850.1, NM_199367.3).
Identifiers: ClinVar variation 2581468 (VCV002581468.1), dbSNP rs2543681640, ClinGen allele CA397417166.

ClinVar aggregate classification (germline): Likely pathogenic (1 of 4 stars; one submission).

Conditions:
Hereditary spastic paraplegia 7 (SPG7). Also called: SPG7-related neurologic disorder; Autosomal recessive spastic paraplegia type 7; SPASTIC PARAPLEGIA 7, AUTOSOMAL RECESSIVE, WITH OR WITHOUT CEREBELLAR ATAXIA; Spastic paraplegia 7; Hereditary spastic paraplegia Paraplegin type. Identifiers: Orphanet 99013, MedGen C1846564, MONDO:0011803, OMIM 607259.

Submission:

Women's Health and Genetics/Laboratory Corporation of America, LabCorp
Classification: Likely pathogenic for Hereditary spastic paraplegia 7. Last evaluated: 2023-08-31. Review status: criteria provided, single submitter. Criteria: LabCorp Variant Classification Summary - May 2015. Collection method: clinical testing. Allele origin: germline.
Comment: Variant summary: SPG7 c.376+2T>A is located in a canonical splice-site and is predicted to affect mRNA splicing resulting in a significantly altered protein due to either exon skipping, shortening, or inclusion of intronic material. Several computational tools predict a significant impact on normal splicing: Four predict the variant abolishes a canonical 5' splicing donor site. However, these predictions have yet to be confirmed by functional studies. The variant was absent in 229136 control chromosomes (gnomAD). To our knowledge, no occurrence of c.376+2T>A in individuals affected with Hereditary Spastic Paraplegia 7 and no experimental evidence demonstrating its impact on protein function have been reported. No submitters have cited clinical-significance assessments for this variant to ClinVar after 2014. Based on the evidence outlined above, the variant was classified as likely pathogenic.